The following is an entry in ClinVar:

ClinVar aggregate classification (germline): Uncertain significance (1 of 4 stars; one submission).

Conditions:
Baller-Gerold syndrome (BGS). Also called: CRANIOSYNOSTOSIS WITH RADIAL DEFECTS. Identifiers: Orphanet 1225, MedGen C0265308, MONDO:0009039, OMIM 218600.

Allele frequency attached by ClinVar (database versions not stated): gnomAD 0.00001; TOPMed 0.00003.
gnomAD v4.1: 25 of 1,582,542 alleles (0.0016%); highest among the groups gnomAD compares: East Asian, 0.0023%; no homozygotes.

Submission:

Labcorp Genetics (formerly Invitae), Labcorp
Classification: Uncertain significance for Baller-Gerold syndrome. Last evaluated: 2025-08-07. Review status: criteria provided, single submitter. Criteria: Invitae Variant Classification Sherloc (09022015). Collection method: clinical testing. Allele origin: germline.
Comment: This sequence change replaces arginine, which is basic and polar, with glutamine, which is neutral and polar, at codon 709 of the RECQL4 protein (p.Arg709Gln). The frequency data for this variant in the population databases is considered unreliable, as metrics indicate poor data quality at this position in the gnomAD database. This variant has not been reported in the literature in individuals affected with RECQL4-related conditions. ClinVar contains an entry for this variant (Variation ID: 529032). Invitae Evidence Modeling of protein sequence and biophysical properties (such as structural, functional, and spatial information, amino acid conservation, physicochemical variation, residue mobility, and thermodynamic stability) has been performed for this missense variant. However, the output from this modeling did not meet the statistical confidence thresholds required to predict the impact of this variant on RECQL4 protein function. Algorithms developed to predict the effect of sequence changes on RNA splicing suggest that this variant may create or strengthen a splice site. In summary, the available evidence is currently insufficient to determine the role of this variant in disease. Therefore, it has been classified as a Variant of Uncertain Significance.

NM_004260.4(RECQL4):c.2126G>A (p.Arg709Gln)

Gene: RECQL4 (RecQ like helicase 4; minus strand). Cytogenetic location: 8q24.3.
Variant type: single nucleotide variant.
Coding change: c.2126G>A on transcript NM_004260.4 (MANE Select); coding-DNA position 2126, G replaced by A.
Protein change: p.Arg709Gln; replaces arginine 709 with glutamine.
Molecular consequence: missense variant.
Genome position (GRCh38, 1-based): chr8:144,513,645, C>T on the plus strand (G>A on the coding strand, the complement: RECQL4 is on the minus strand). VCF-style: chr8-144513645-C-T. GRCh37 (hg19) VCF-style: chr8-145739029-C-T.
Other names: short protein forms R709Q.
Identifiers: ClinVar variation 529032 (VCV000529032.7), dbSNP rs947223466, ClinGen allele CA187683706.